The following is an entry in ClinVar:

ClinVar aggregate classification (germline): Uncertain significance (1 of 4 stars; one submission).

Allele frequency attached by ClinVar (database versions not stated): gnomAD 0.00001; gnomAD exomes 0.00001; TOPMed 0.00002.
gnomAD v4.1: 8 of 1,210,291 alleles (0.00066%); highest among the groups gnomAD compares: Admixed American, 0.0022%; no homozygotes.

Submission:

Laboratorio de Genetica e Diagnostico Molecular, Hospital Israelita Albert Einstein
Classification: Uncertain significance. Last evaluated: 2020-04-14. Review status: criteria provided, single submitter. Criteria: ACMG Guidelines, 2015. Collection method: clinical testing. Allele origin: germline. Affected: yes.
Comment: ACMG classification criteria: PM2, PP3

NM_020717.5(SHROOM4):c.2631T>C (p.Cys877=)

Gene: SHROOM4 (shroom family member 4; minus strand). Cytogenetic location: Xp11.22.
Variant type: single nucleotide variant.
Coding change: c.2631T>C on transcript NM_020717.5 (MANE Select); coding-DNA position 2631, T replaced by C.
Protein change: p.Cys877=; no amino-acid change (cysteine 877 retained).
Molecular consequence: synonymous variant. On other transcripts: non-coding transcript variant (4).
Genome position (GRCh38, 1-based): chrX:50,633,442, A>G on the plus strand (T>C on the coding strand, the complement: SHROOM4 is on the minus strand). VCF-style: chrX-50633442-A-G. GRCh37 (hg19) VCF-style: chrX-50376442-A-G.
Identifiers: ClinVar variation 1690856 (VCV001690856.2), dbSNP rs950299265, ClinGen allele CA329155061.